The following is an entry in ClinVar:

NM_032634.4(PIGO):c.1445_1449del (p.Leu482fs)

Gene: PIGO (phosphatidylinositol glycan anchor biosynthesis class O; minus strand). Cytogenetic location: 9p13.3.
Variant type: Deletion.
Coding change: c.1445_1449del on transcript NM_032634.4 (MANE Select); coding-DNA positions 1445 to 1449, 5 bases deleted (TACTC; older notation c.1445_1449delTACTC).
Protein change: p.Leu482fs; shifts the reading frame from leucine 482.
Molecular consequence: frameshift variant. On other transcripts: intron variant (2).
Genome position (GRCh38, 1-based): chr9:35,092,438-35,092,442, GAGTA deleted on the plus strand (TACTC on the coding strand, the reverse complement: PIGO is on the minus strand); deleting any 5 consecutive bases within chr9:35,092,438-35,092,445 gives the same sequence; the c. name uses the placement nearest the transcript's 3' end. VCF-style (leftmost placement, unchanged base first): chr9-35092437-GGAGTA-G. GRCh37 (hg19) VCF-style: chr9-35092434-GGAGTA-G.
Other names: c.1344+101_1344+105del (NM_152850.4, NM_001201484.2); short protein forms L482fs.
Identifiers: ClinVar variation 1070437 (VCV001070437.7), dbSNP rs1209271799, ClinGen allele CA587568914.

ClinVar aggregate classification (germline): Pathogenic (1 of 4 stars; one submission).

Conditions:
Hyperphosphatasia with impaired intellectual development syndrome 2. Also called: Hyperphosphatasia with intellectual disability syndrome 2; GLYCOSYLPHOSPHATIDYLINOSITOL BIOSYNTHESIS DEFECT 6. Identifiers: Orphanet 247262, MedGen C3553637, MONDO:0013882, OMIM 614749.

Submission:

Labcorp Genetics (formerly Invitae), Labcorp
Classification: Pathogenic for Hyperphosphatasia with impaired intellectual development syndrome 2. Last evaluated: 2025-11-24. Review status: criteria provided, single submitter. Criteria: Invitae Variant Classification Sherloc (09022015). Collection method: clinical testing. Allele origin: germline.
Comment: This sequence change creates a premature translational stop signal (p.Leu482Profs*22) in the PIGO gene. It is expected to result in an absent or disrupted protein product. Loss-of-function variants in PIGO are known to be pathogenic (PMID: 22683086, 24417746). This variant is present in population databases (no rsID available, gnomAD 0.01%). This variant has not been reported in the literature in individuals affected with PIGO-related conditions. ClinVar contains an entry for this variant (Variation ID: 1070437). For these reasons, this variant has been classified as Pathogenic.

Literature cited by the submitters: PubMed 22683086; PubMed 24417746.